The following is an entry in ClinVar:

ClinVar aggregate classification (germline): Conflicting classifications of pathogenicity. Review status: criteria provided, conflicting classifications (1 of 4 stars). 6 submissions from 6 submitters: Uncertain significance (5); Likely benign (1). Last evaluated 2026-01-19.

Conditions:
Inborn genetic diseases. Identifiers: MedGen C0950123, MeSH D030342.
Multiple acyl-CoA dehydrogenase deficiency (MADD). Also called: GA II; Glutaric aciduria, type 2; ETHYLMALONIC-ADIPICACIDURIA; Glutaric acidemia type II; GA 2; Glutaric Acidemia type 2. Identifiers: Orphanet 26791, MedGen C0268596, MONDO:0009282, OMIM 231680.

Allele frequency attached by ClinVar (database versions not stated): 1000 Genomes Project 30x 0.00016; 1000 Genomes Project 0.00020; ExAC 0.00020; gnomAD exomes 0.00020 and 0.00022; gnomAD 0.00025 and 0.00027; ESP Exome Variant Server 0.00031; TOPMed 0.00039.

Submissions (6):

Labcorp Genetics (formerly Invitae), Labcorp
Classification: Uncertain significance for Multiple acyl-CoA dehydrogenase deficiency. Last evaluated: 2026-01-19. Review status: criteria provided, single submitter. Criteria: Invitae Variant Classification Sherloc (09022015). Collection method: clinical testing. Allele origin: germline.
Comment: This sequence change replaces valine, which is neutral and non-polar, with isoleucine, which is neutral and non-polar, at codon 237 of the ETFB protein (p.Val237Ile). This variant is present in population databases (rs149129214, gnomAD 0.03%). This variant has not been reported in the literature in individuals affected with ETFB-related conditions. ClinVar contains an entry for this variant (Variation ID: 203700). Invitae Evidence Modeling of protein sequence and biophysical properties (such as structural, functional, and spatial information, amino acid conservation, physicochemical variation, residue mobility, and thermodynamic stability) indicates that this missense variant is not expected to disrupt ETFB protein function with a negative predictive value of 95%. In summary, the available evidence is currently insufficient to determine the role of this variant in disease. Therefore, it has been classified as a Variant of Uncertain Significance.

Blueprint Genetics
Classification: Uncertain significance. Last evaluated: 2024-10-18. Review status: criteria provided, single submitter. Criteria: ACMG Guidelines, 2015. Collection method: clinical testing. Allele origin: germline.

Ambry Genetics
Classification: Uncertain significance for Inborn genetic diseases. Last evaluated: 2024-01-30. Review status: criteria provided, single submitter. Criteria: Ambry Variant Classification Scheme 2023. Collection method: clinical testing. Allele origin: germline.

GeneDx
Classification: Likely benign. Last evaluated: 2021-05-19. Review status: criteria provided, single submitter. Criteria: GeneDx Variant Classification Process June 2021. Collection method: clinical testing. Allele origin: germline. Affected: yes.

ARUP Laboratories, Molecular Genetics and Genomics, ARUP Laboratories
Classification: Uncertain significance. Last evaluated: 2018-05-08. Review status: criteria provided, single submitter. Criteria: ARUP Molecular Germline Variant Investigation Process. Collection method: clinical testing. Allele origin: germline.

CeGaT Center for Human Genetics Tuebingen
Classification: Uncertain significance. Last evaluated: 2016-08-01. Review status: criteria provided, single submitter. Criteria: CeGaT Center For Human Genetics Tuebingen Variant Classification Criteria Version 2. Collection method: clinical testing. Allele origin: germline. Affected: yes. Observed: 1 variant allele.

NM_001985.3(ETFB):c.709G>A (p.Val237Ile)

Gene: ETFB (electron transfer flavoprotein subunit beta; minus strand). Cytogenetic location: 19q13.41.
Variant type: single nucleotide variant.
Coding change: c.709G>A on transcript NM_001985.3 (MANE Select); coding-DNA position 709, G replaced by A.
Protein change: p.Val237Ile; replaces valine 237 with isoleucine.
Molecular consequence: missense variant.
Genome position (GRCh38, 1-based): chr19:51,345,270, C>T on the plus strand (G>A on the coding strand, the complement: ETFB is on the minus strand). VCF-style: chr19-51345270-C-T. GRCh37 (hg19) VCF-style: chr19-51848524-C-T.
Other names: p.V237I:GTC>ATC; c.982G>A, p.Val328Ile (NM_001014763.1); short protein forms V237I, V328I.
Identifiers: ClinVar variation 203700 (VCV000203700.60), dbSNP rs149129214, ClinGen allele CA312500.